The following is an entry in ClinVar:

ClinVar aggregate classification (germline): Uncertain significance (1 of 4 stars; one submission).

Conditions:
EIF4A2-related disorder. Also called: EIF4A2-related condition.

Submission:

PreventionGenetics, part of Exact Sciences
Classification: Uncertain significance for EIF4A2-related condition. Last evaluated: 2025-04-28. Review status: criteria provided, single submitter. Criteria: ACMG Guidelines, 2015. Collection method: clinical testing. Allele origin: germline.
Comment: The EIF4A2 c.734A>C variant is predicted to result in the amino acid substitution p.Glu245Ala. To our knowledge, this variant has not been reported in the literature or in a large population database (gnomAD), indicating this variant is rare. At this time, the clinical significance of this variant is uncertain due to the absence of conclusive functional and genetic evidence.

NM_001967.4(EIF4A2):c.734A>C (p.Glu245Ala)

Gene: EIF4A2 (eukaryotic translation initiation factor 4A2; plus strand). Cytogenetic location: 3q27.3.
Variant type: single nucleotide variant.
Coding change: c.734A>C on transcript NM_001967.4 (MANE Select); coding-DNA position 734, A replaced by C.
Protein change: p.Glu245Ala; replaces glutamic acid 245 with alanine.
Molecular consequence: missense variant.
Genome position (GRCh38, 1-based): chr3:186,786,608, A>C. VCF-style: chr3-186786608-A-C. GRCh37 (hg19) VCF-style: chr3-186504397-A-C.
Other names: short protein forms E245A.
Identifiers: ClinVar variation 4998354 (VCV004998354.1).